The following is an entry in ClinVar:

ClinVar aggregate classification (germline): Uncertain significance (1 of 4 stars; one submission).

Allele frequency attached by ClinVar (database versions not stated): ExAC 0.00001; gnomAD 0.00005; TOPMed 0.00005.
gnomAD v4.1: 11 of 1,613,942 alleles (0.00068%); highest among the groups gnomAD compares: African/African-American, 0.015%; no homozygotes.

Submission:

Labcorp Genetics (formerly Invitae), Labcorp
Classification: Uncertain significance. Last evaluated: 2022-04-23. Review status: criteria provided, single submitter. Criteria: Invitae Variant Classification Sherloc (09022015). Collection method: clinical testing. Allele origin: germline.
Comment: This variant is present in population databases (rs779092824, gnomAD 0.02%). This sequence change replaces glutamic acid, which is acidic and polar, with aspartic acid, which is acidic and polar, at codon 513 of the COQ8A protein (p.Glu513Asp). This variant has not been reported in the literature in individuals affected with COQ8A-related conditions. Advanced modeling of protein sequence and biophysical properties (such as structural, functional, and spatial information, amino acid conservation, physicochemical variation, residue mobility, and thermodynamic stability) performed at Invitae indicates that this missense variant is not expected to disrupt COQ8A protein function. In summary, the available evidence is currently insufficient to determine the role of this variant in disease. Therefore, it has been classified as a Variant of Uncertain Significance.

NM_020247.5(COQ8A):c.1539A>C (p.Glu513Asp)

Gene: COQ8A (coenzyme Q8A; plus strand). Cytogenetic location: 1q42.13.
Variant type: single nucleotide variant.
Coding change: c.1539A>C on transcript NM_020247.5 (MANE Select); coding-DNA position 1539, A replaced by C.
Protein change: p.Glu513Asp; replaces glutamic acid 513 with aspartic acid.
Molecular consequence: missense variant.
Genome position (GRCh38, 1-based): chr1:226,984,908, A>C. VCF-style: chr1-226984908-A-C. GRCh37 (hg19) VCF-style: chr1-227172609-A-C.
Other names: short protein forms E513D.
Identifiers: ClinVar variation 2176442 (VCV002176442.4), dbSNP rs779092824, ClinGen allele CA1425533.